The following is an entry in ClinVar:

ClinVar aggregate classification (germline): Uncertain significance (1 of 4 stars; one submission).

Submission:

Labcorp Genetics (formerly Invitae), Labcorp
Classification: Uncertain significance. Last evaluated: 2022-01-15. Review status: criteria provided, single submitter. Criteria: Invitae Variant Classification Sherloc (09022015). Collection method: clinical testing. Allele origin: germline.
Comment: In summary, the available evidence is currently insufficient to determine the role of this variant in disease. Therefore, it has been classified as a Variant of Uncertain Significance. This variant has not been reported in the literature in individuals affected with DIAPH3-related conditions. This variant is not present in population databases (gnomAD no frequency). This sequence change creates a premature translational stop signal (p.Glu975*) in the DIAPH3 gene. It is expected to result in an absent or disrupted protein product. However, the current clinical and genetic evidence is not sufficient to establish whether loss-of-function variants in DIAPH3 cause disease.

NM_001042517.2(DIAPH3):c.2923G>T (p.Glu975Ter)

Gene: DIAPH3 (diaphanous related formin 3; minus strand). Cytogenetic location: 13q21.2.
Variant type: single nucleotide variant.
Coding change: c.2923G>T on transcript NM_001042517.2 (MANE Select); coding-DNA position 2923, G replaced by T.
Protein change: p.Glu975Ter; replaces glutamic acid 975 with a stop codon.
Molecular consequence: nonsense.
Genome position (GRCh38, 1-based): chr13:59,833,211, C>A on the plus strand (G>T on the coding strand, the complement: DIAPH3 is on the minus strand). VCF-style: chr13-59833211-C-A. GRCh37 (hg19) VCF-style: chr13-60407345-C-A.
Other names: c.2890G>T, p.Glu964Ter (NM_001258366.2); c.2785G>T, p.Glu929Ter (NM_001258367.2); c.2713G>T, p.Glu905Ter (NM_001258368.2); c.2923G>T, p.Glu975Ter (NM_001258369.2); c.2134G>T, p.Glu712Ter (NM_030932.4); short protein forms E905*, E975*, E712*, E929*, E964*.
Identifiers: ClinVar variation 2083768 (VCV002083768.4), dbSNP rs2502643410, ClinGen allele CA388327710.